The following is an entry in ClinVar:

NM_153676.4(USH1C):c.424A>G (p.Ile142Val)

Gene: USH1C (USH1 protein network component harmonin; minus strand). Cytogenetic location: 11p15.1.
Variant type: single nucleotide variant.
Coding change: c.424A>G on transcript NM_153676.4 (MANE Select); coding-DNA position 424, A replaced by G.
Protein change: p.Ile142Val; replaces isoleucine 142 with valine.
Molecular consequence: missense variant. On other transcripts: non-coding transcript variant (1).
Genome position (GRCh38, 1-based): chr11:17,527,295, T>C on the plus strand (A>G on the coding strand, the complement: USH1C is on the minus strand). VCF-style: chr11-17527295-T-C. GRCh37 (hg19) VCF-style: chr11-17548842-T-C.
Other names: c.424A>G, p.Ile142Val (NM_001297764.2, NM_005709.4); short protein forms I142V.
Identifiers: ClinVar variation 1065013 (VCV001065013.3), dbSNP rs771861342, ClinGen allele CA5905049.

ClinVar aggregate classification (germline): Uncertain significance (1 of 4 stars; one submission).

Conditions:
Hearing impairment. Also called: Impaired Hearing. Identifiers: MedGen C1384666, MONDO:0005365, HP:0000365.

Allele frequency attached by ClinVar (database versions not stated): gnomAD exomes below 0.00001 and 0.00001; ExAC 0.00002.
gnomAD v4.1: 3 of 1,612,692 alleles (0.00019%); highest among the groups gnomAD compares: South Asian, 0.0011%; no homozygotes.

Submission:

Department of Otolaryngology – Head & Neck Surgery, Cochlear Implant Center
Classification: Uncertain significance for Hearing impairment. Last evaluated: 2021-04-12. Review status: criteria provided, single submitter. Criteria: ClinGen HL ACMG Specifications v1. Collection method: clinical testing. Allele origin: germline. Affected: yes.
Comment: PM2_Moderate, BP4_Supporting